The following is an entry in ClinVar:

NM_006767.4(LZTR1):c.50_51del (p.Ala17fs)

Genes: LZTR1 (leucine zipper like post translational regulator 1; plus strand), LOC130067016 (ATAC-STARR-seq lymphoblastoid silent region 13504; plus strand). Cytogenetic location: 22q11.21.
Variant type: Deletion.
Coding change: c.50_51del on transcript NM_006767.4 (MANE Select); coding-DNA positions 50 to 51, 2 bases deleted (CA; older notation c.50_51delCA).
Protein change: p.Ala17fs; shifts the reading frame from alanine 17.
Molecular consequence: frameshift variant.
Genome position (GRCh38, 1-based): chr22:20,982,421-20,982,422, CA deleted. VCF-style (leftmost placement, unchanged base first): chr22-20982420-GCA-G. GRCh37 (hg19) VCF-style: chr22-21336709-GCA-G.
Other names: short protein forms A17fs.
Identifiers: ClinVar variation 1744717 (VCV001744717.2), dbSNP rs2518607691, ClinGen allele CA2580099158.

ClinVar aggregate classification (germline): Likely pathogenic (1 of 4 stars; one submission).

Conditions:
Cardiovascular phenotype. Identifiers: MedGen CN230736.
Hereditary cancer-predisposing syndrome. Also called: Hereditary Cancer Syndrome; Neoplastic Syndromes, Hereditary; Tumor predisposition; Hereditary neoplastic syndrome. Identifiers: Orphanet 140162, MedGen C0027672, MeSH D009386, MONDO:0015356.

Submission:

Ambry Genetics
Classification: Likely pathogenic for Cardiovascular phenotype; Hereditary cancer-predisposing syndrome. Last evaluated: 2021-06-09. Review status: criteria provided, single submitter. Criteria: Ambry Variant Classification Scheme 2023. Collection method: clinical testing. Allele origin: germline.
Comment: The c.50_51delCA pathogenic mutation, located in coding exon 1 of the LZTR1 gene, results from a deletion of two nucleotides at nucleotide positions 50 to 51, causing a translational frameshift with a predicted alternate stop codon (p.A17Gfs*16). This alteration is expected to result in loss of function by premature protein truncation or nonsense-mediated mRNA decay. Based on the supporting evidence, this variant is likely pathogenic for an increased risk of nerve sheath tumors and would be expected to cause autosomal recessive Noonan syndrome when present along with a second pathogenic or likely pathogenic variant on the other allele.